The following is an entry in ClinVar:

NM_003622.4(PPFIBP1):c.2047-8T>C

Gene: PPFIBP1 (PPFIB scaffold protein 1; plus strand). Cytogenetic location: 12p11.22.
Variant type: single nucleotide variant.
Coding change: c.2047-8T>C on transcript NM_003622.4 (MANE Select); 8 bases into the intron before coding-DNA position 2047, T replaced by C.
Molecular consequence: intron variant.
Genome position (GRCh38, 1-based): chr12:27,682,379, T>C. VCF-style: chr12-27682379-T-C. GRCh37 (hg19) VCF-style: chr12-27835312-T-C.
Other names: c.2065-8T>C (NM_177444.3); c.1972-8T>C (NM_001198916.2); c.1606-8T>C (NM_001198915.2).
Identifiers: ClinVar variation 4533471 (VCV004533471.6).
Genomic context (GRCh38, chr12:27,682,379, plus strand): 5'-TTGCATCCTTTGCCAGTGGCACCCAGCCTATACAGATAGAATTATAAAGTCAATGTTTAT[T>C]GTTTCAGGAACTTGGAATCAAGCATTCACTTCATCGAAAGAAACTCCAGCTAGCACTCCA-3'

ClinVar aggregate classification (germline): Likely benign (1 of 4 stars; one submission).

gnomAD v4.1: 2,058 of 1,588,136 alleles (0.13%); highest among the groups gnomAD compares: Middle Eastern, 0.68%; 7 homozygotes.

Submission:

CeGaT Center for Human Genetics Tuebingen
Classification: Likely benign. Last evaluated: 2025-11-01. Review status: criteria provided, single submitter. Criteria: CeGaT Center For Human Genetics Tuebingen Variant Classification Criteria Version 2. Collection method: clinical testing. Allele origin: germline. Affected: yes. Observed: 1 variant allele.
Comment: PPFIBP1: BP4